The following is an entry in ClinVar:

ClinVar aggregate classification (germline): Uncertain significance (1 of 4 stars; one submission).

Allele frequency attached by ClinVar (database versions not stated): ExAC 0.00001.
gnomAD v4.1: 1 of 1,612,948 alleles (0.000062%); highest among the groups gnomAD compares: Non-Finnish European, 0.000085%; no homozygotes.

Submission:

Labcorp Genetics (formerly Invitae), Labcorp
Classification: Uncertain significance. Last evaluated: 2023-10-20. Review status: criteria provided, single submitter. Criteria: Invitae Variant Classification Sherloc (09022015). Collection method: clinical testing. Allele origin: germline.
Comment: This sequence change replaces proline, which is neutral and non-polar, with serine, which is neutral and polar, at codon 935 of the HMCN1 protein (p.Pro935Ser). This variant is present in population databases (rs755789454, gnomAD 0.007%). This variant has not been reported in the literature in individuals affected with HMCN1-related conditions. An algorithm developed to predict the effect of missense changes on protein structure and function (PolyPhen-2) suggests that this variant is likely to be disruptive. In summary, the available evidence is currently insufficient to determine the role of this variant in disease. Therefore, it has been classified as a Variant of Uncertain Significance.

NM_031935.3(HMCN1):c.2803C>T (p.Pro935Ser)

Gene: HMCN1 (hemicentin 1; plus strand). Cytogenetic location: 1q31.1.
Variant type: single nucleotide variant.
Coding change: c.2803C>T on transcript NM_031935.3 (MANE Select); coding-DNA position 2803, C replaced by T.
Protein change: p.Pro935Ser; replaces proline 935 with serine.
Molecular consequence: missense variant.
Genome position (GRCh38, 1-based): chr1:185,984,181, C>T. VCF-style: chr1-185984181-C-T. GRCh37 (hg19) VCF-style: chr1-185953313-C-T.
Other names: short protein forms P935S.
Identifiers: ClinVar variation 2770392 (VCV002770392.3), dbSNP rs755789454, ClinGen allele CA1291536.
Genomic context (GRCh38, chr1:185,984,181, plus strand): 5'-ACAAATCCTTTCTTTTTAAATAAAAATTACCTTTTTTTTTCCTTTAAGTTGCTCCAAAAT[C>T]CTTACATCACTGTGCGCAGTGATGGGAGCCTCCATATTGAAAGAGTTCAGCTTCAGGATG-3'
Protein context (NP_114141.2, residues 925-945): IKNSAMLLQN[Pro935Ser]YITVRSDGSL